The following is an entry in ClinVar:

ClinVar aggregate classification (germline): Pathogenic (1 of 4 stars; one submission).

Conditions:
Early-infantile DEE. Also called: Early infantile epileptic encephalopathy with suppression bursts; Early infantile epileptic encephalopathy; Ohtahara syndrome. Identifiers: Orphanet 1934, MedGen C0393706, MONDO:0800491.

Submission:

Labcorp Genetics (formerly Invitae), Labcorp
Classification: Pathogenic for Early-infantile DEE. Last evaluated: 2024-04-15. Review status: criteria provided, single submitter. Criteria: Invitae Variant Classification Sherloc (09022015). Collection method: clinical testing. Allele origin: germline.
Comment: This sequence change replaces glycine, which is neutral and non-polar, with valine, which is neutral and non-polar, at codon 238 of the SCN1A protein (p.Gly238Val). This variant is not present in population databases (gnomAD no frequency). This missense change has been observed in individual(s) with clinical features of developmental and epileptic encephalopathy (Invitae). In at least one individual the variant was observed to be de novo. ClinVar contains an entry for this variant (Variation ID: 646877). Advanced modeling of protein sequence and biophysical properties (such as structural, functional, and spatial information, amino acid conservation, physicochemical variation, residue mobility, and thermodynamic stability) performed at Invitae indicates that this missense variant is expected to disrupt SCN1A protein function with a positive predictive value of 95%. For these reasons, this variant has been classified as Pathogenic.

NM_001165963.4(SCN1A):c.713G>T (p.Gly238Val)

Gene: SCN1A (sodium voltage-gated channel alpha subunit 1; minus strand). Cytogenetic location: 2q24.3.
Variant type: single nucleotide variant.
Coding change: c.713G>T on transcript NM_001165963.4 (MANE Select); coding-DNA position 713, G replaced by T.
Protein change: p.Gly238Val; replaces glycine 238 with valine.
Molecular consequence: missense variant. On other transcripts: 5 prime UTR variant (1), non-coding transcript variant (1).
Genome position (GRCh38, 1-based): chr2:166,051,970, C>A on the plus strand (G>T on the coding strand, the complement: SCN1A is on the minus strand). VCF-style: chr2-166051970-C-A. GRCh37 (hg19) VCF-style: chr2-166908480-C-A.
Other names: c.713G>T, p.Gly238Val (NM_001165964.3, NM_001202435.3, NM_001353948.2 and 10 more transcripts); c.-1713G>T (NM_001353961.2); short protein forms G238V.
Identifiers: ClinVar variation 646877 (VCV000646877.9), dbSNP rs1574266490, ClinGen allele CA349073794.
Genomic context (GRCh38, chr2:166,051,970, plus strand): 5'-AGACAGAACACAGTCAGGATCATTACATCTGAGAGCTTCTTCACAGACTGGATCAGGGCT[C>A]CCACAATGGTTTTCAGGCCTGAAAGAAAGAAGTCTATTACTATGAAGACTTAACACGTGT-3'
Protein context (NP_001159435.1, residues 228-248): SVIPGLKTIV[Gly238Val]ALIQSVKKLS